The following is an entry in ClinVar:

NM_000918.4(P4HB):c.595G>A (p.Asp199Asn)

Gene: P4HB (prolyl 4-hydroxylase subunit beta; minus strand). Cytogenetic location: 17q25.3.
Variant type: single nucleotide variant.
Coding change: c.595G>A on transcript NM_000918.4 (MANE Select); coding-DNA position 595, G replaced by A.
Protein change: p.Asp199Asn; replaces aspartic acid 199 with asparagine.
Molecular consequence: missense variant.
Genome position (GRCh38, 1-based): chr17:81,855,171, C>T on the plus strand (G>A on the coding strand, the complement: P4HB is on the minus strand). VCF-style: chr17-81855171-C-T. GRCh37 (hg19) VCF-style: chr17-79813047-C-T.
Other names: short protein forms D199N.
Identifiers: ClinVar variation 3625644 (VCV003625644.2).

ClinVar aggregate classification (germline): Uncertain significance (1 of 4 stars; one submission).

gnomAD v4.1: 16 of 1,614,054 alleles (0.00099%); highest among the groups gnomAD compares: Non-Finnish European, 0.0012%; no homozygotes.

Submission:

Labcorp Genetics (formerly Invitae), Labcorp
Classification: Uncertain significance. Last evaluated: 2024-10-19. Review status: criteria provided, single submitter. Criteria: Invitae Variant Classification Sherloc (09022015). Collection method: clinical testing. Allele origin: germline.
Comment: This sequence change replaces aspartic acid, which is acidic and polar, with asparagine, which is neutral and polar, at codon 199 of the P4HB protein (p.Asp199Asn). This variant is present in population databases (rs199956742, gnomAD 0.003%). This variant has not been reported in the literature in individuals affected with P4HB-related conditions. Invitae Evidence Modeling of protein sequence and biophysical properties (such as structural, functional, and spatial information, amino acid conservation, physicochemical variation, residue mobility, and thermodynamic stability) indicates that this missense variant is not expected to disrupt P4HB protein function with a negative predictive value of 80%. In summary, the available evidence is currently insufficient to determine the role of this variant in disease. Therefore, it has been classified as a Variant of Uncertain Significance.